The following is an entry in ClinVar:

NM_000875.5(IGF1R):c.1741G>A (p.Val581Ile)

Gene: IGF1R (insulin like growth factor 1 receptor; plus strand). Cytogenetic location: 15q26.3.
Variant type: single nucleotide variant.
Coding change: c.1741G>A on transcript NM_000875.5 (MANE Select); coding-DNA position 1741, G replaced by A.
Protein change: p.Val581Ile; replaces valine 581 with isoleucine.
Molecular consequence: missense variant.
Genome position (GRCh38, 1-based): chr15:98,913,195, G>A. VCF-style: chr15-98913195-G-A. GRCh37 (hg19) VCF-style: chr15-99456424-G-A.
Other names: c.1741G>A, p.Val581Ile (NM_001291858.2); short protein forms V581I.
Identifiers: ClinVar variation 3671949 (VCV003671949.2).

ClinVar aggregate classification (germline): Uncertain significance (1 of 4 stars; one submission).

gnomAD v4.1: 6 of 1,614,070 alleles (0.00037%); highest among the groups gnomAD compares: African/African-American, 0.0013%; no homozygotes.

Submission:

Labcorp Genetics (formerly Invitae), Labcorp
Classification: Uncertain significance. Last evaluated: 2024-06-17. Review status: criteria provided, single submitter. Criteria: Invitae Variant Classification Sherloc (09022015). Collection method: clinical testing. Allele origin: germline.
Comment: This sequence change replaces valine, which is neutral and non-polar, with isoleucine, which is neutral and non-polar, at codon 581 of the IGF1R protein (p.Val581Ile). This variant is present in population databases (rs774280289, gnomAD 0.002%). This variant has not been reported in the literature in individuals affected with IGF1R-related conditions. Advanced modeling of protein sequence and biophysical properties (such as structural, functional, and spatial information, amino acid conservation, physicochemical variation, residue mobility, and thermodynamic stability) performed at Invitae indicates that this missense variant is not expected to disrupt IGF1R protein function with a negative predictive value of 80%. In summary, the available evidence is currently insufficient to determine the role of this variant in disease. Therefore, it has been classified as a Variant of Uncertain Significance.